The following is an entry in ClinVar:

ClinVar aggregate classification (germline): Uncertain significance (1 of 4 stars; one submission).

Conditions:
Tuberous sclerosis 1 (TSC1). Identifiers: Orphanet 805, MedGen C1854465, MONDO:0008612, OMIM 191100.

Submission:

Labcorp Genetics (formerly Invitae), Labcorp
Classification: Uncertain significance for Tuberous sclerosis 1. Last evaluated: 2023-06-16. Review status: criteria provided, single submitter. Criteria: Invitae Variant Classification Sherloc (09022015). Collection method: clinical testing. Allele origin: germline.
Comment: In summary, the available evidence is currently insufficient to determine the role of this variant in disease. Therefore, it has been classified as a Variant of Uncertain Significance. Advanced modeling of protein sequence and biophysical properties (such as structural, functional, and spatial information, amino acid conservation, physicochemical variation, residue mobility, and thermodynamic stability) performed at Invitae indicates that this missense variant is not expected to disrupt TSC1 protein function. This variant has not been reported in the literature in individuals affected with TSC1-related conditions. This variant is not present in population databases (gnomAD no frequency). This sequence change replaces aspartic acid, which is acidic and polar, with glutamic acid, which is acidic and polar, at codon 903 of the TSC1 protein (p.Asp903Glu).

NM_000368.5(TSC1):c.2709T>A (p.Asp903Glu)

Gene: TSC1 (TSC complex subunit 1; minus strand). Cytogenetic location: 9q34.13.
Variant type: single nucleotide variant.
Coding change: c.2709T>A on transcript NM_000368.5 (MANE Select); coding-DNA position 2709, T replaced by A.
Protein change: p.Asp903Glu; replaces aspartic acid 903 with glutamic acid.
Molecular consequence: missense variant. On other transcripts: non-coding transcript variant (5).
Genome position (GRCh38, 1-based): chr9:132,897,527, A>T on the plus strand (T>A on the coding strand, the complement: TSC1 is on the minus strand). VCF-style: chr9-132897527-A-T. GRCh37 (hg19) VCF-style: chr9-135772914-A-T.
Other names: c.2691T>A, p.Asp897Glu (NM_001406604.1, NM_001406603.1); c.2667T>A, p.Asp889Glu (NM_001406605.1, NM_001406606.1, NM_001406607.1); c.2664T>A, p.Asp888Glu (NM_001406608.1, NM_001406609.1); c.2556T>A, p.Asp852Glu (NM_001406610.1, NM_001162427.2); c.2553T>A, p.Asp851Glu (NM_001406611.1, NM_001406612.1); c.2511T>A, p.Asp837Glu (NM_001406613.1); c.2706T>A, p.Asp902Glu (NM_001162426.2, NM_001406597.1, NM_001406598.1 and 2 more transcripts); c.2346T>A, p.Asp782Glu (NM_001362177.2, NM_001406614.1, NM_001406615.1 and 4 more transcripts); and 8 more; short protein forms D585E, D767E, D898E, D902E, D768E, D851E, D897E, D586E.
Identifiers: ClinVar variation 2717351 (VCV002717351.3), dbSNP rs2131635426, ClinGen allele CA375369391.